The following is an entry in ClinVar:

NM_001244008.2(KIF1A):c.430-158T>C

Gene: KIF1A (kinesin family member 1A; minus strand). Cytogenetic location: 2q37.3.
Variant type: single nucleotide variant.
Coding change: c.430-158T>C on transcript NM_001244008.2 (MANE Select); 158 bases into the intron before coding-DNA position 430, T replaced by C.
Molecular consequence: intron variant.
Genome position (GRCh38, 1-based): chr2:240,786,671, A>G on the plus strand (T>C on the coding strand, the complement: KIF1A is on the minus strand). VCF-style: chr2-240786671-A-G. GRCh37 (hg19) VCF-style: chr2-241726088-A-G.
Other names: c.430-158T>C (NM_001379653.1, NM_001379650.1, NM_001379645.1 and 20 more transcripts).
Identifiers: ClinVar variation 677267 (VCV000677267.1), dbSNP rs928013070, ClinGen allele CA68141371.

ClinVar aggregate classification (germline): Benign (1 of 4 stars; one submission).

Allele frequency attached by ClinVar (database versions not stated): gnomAD 0.03473 and 0.03644.
gnomAD v4.1: 3,878 of 112,750 alleles (3.4%); highest among the groups gnomAD compares: African/African-American, 11%; 192 homozygotes.

Submission:

GeneDx
Classification: Benign. Last evaluated: 2018-06-16. Review status: criteria provided, single submitter. Criteria: GeneDx Variant Classification (06012015). Collection method: clinical testing. Allele origin: germline. Affected: yes.
Comment: This variant is considered likely benign or benign based on one or more of the following criteria: it is a conservative change, it occurs at a poorly conserved position in the protein, it is predicted to be benign by multiple in silico algorithms, and/or has population frequency not consistent with disease.